The following is an entry in ClinVar:

NM_005222.4(DLX6):c.248C>T (p.Ala83Val)

Genes: DLX6 (distal-less homeobox 6; plus strand), DLX6-AS1 (DLX6 antisense RNA 1; minus strand). Cytogenetic location: 7q21.3.
Variant type: single nucleotide variant.
Coding change: c.248C>T on transcript NM_005222.4 (MANE Select); coding-DNA position 248, C replaced by T.
Protein change: p.Ala83Val; replaces alanine 83 with valine.
Molecular consequence: missense variant.
Genome position (GRCh38, 1-based): chr7:97,006,225, C>T. VCF-style: chr7-97006225-C-T. GRCh37 (hg19) VCF-style: chr7-96635537-C-T.
Other names: short protein forms A83V.
Identifiers: ClinVar variation 3715206 (VCV003715206.2).
Genomic context (GRCh38, chr7:97,006,225, plus strand): 5'-CCATGGCAGGCGCGCACTACCCTCTGCACTGCCTGCACTCGGCGGCGGCGGCGGCAGCGG[C>T]CGGCTCGCACCACCACCACCACCACCAGCACCACCACCACGGCTCGCCCTACGCGTCGGG-3'
Protein context (NP_005213.3, residues 73-93): CLHSAAAAAA[Ala83Val]GSHHHHHHQH

ClinVar aggregate classification (germline): Uncertain significance (1 of 4 stars; one submission).

gnomAD v4.1: 26 of 1,512,530 alleles (0.0017%); highest among the groups gnomAD compares: African/African-American, 0.0071%; no homozygotes.

Submission:

Labcorp Genetics (formerly Invitae), Labcorp
Classification: Uncertain significance. Last evaluated: 2024-03-28. Review status: criteria provided, single submitter. Criteria: Invitae Variant Classification Sherloc (09022015). Collection method: clinical testing. Allele origin: germline.
Comment: This sequence change replaces alanine, which is neutral and non-polar, with valine, which is neutral and non-polar, at codon 83 of the DLX6 protein (p.Ala83Val). The frequency data for this variant in the population databases is considered unreliable, as metrics indicate poor data quality at this position in the gnomAD database. This variant has not been reported in the literature in individuals affected with DLX6-related conditions. An algorithm developed to predict the effect of missense changes on protein structure and function (PolyPhen-2) suggests that this variant is likely to be tolerated. In summary, the available evidence is currently insufficient to determine the role of this variant in disease. Therefore, it has been classified as a Variant of Uncertain Significance.